The following is an entry in ClinVar:

ClinVar aggregate classification (germline): Uncertain significance. Review status: criteria provided, multiple submitters, no conflicts (2 of 4 stars). 3 submissions from 3 submitters: Uncertain significance (3). Last evaluated 2024-05-08.

Conditions:
Hereditary cancer-predisposing syndrome. Also called: Neoplastic Syndromes, Hereditary; Tumor predisposition; Hereditary Cancer Syndrome; Hereditary neoplastic syndrome. Identifiers: Orphanet 140162, MedGen C0027672, MeSH D009386, MONDO:0015356.
Hereditary pheochromocytoma and paraganglioma. Also called: Hereditary paragangliomas and pheochromocytomas; Hereditary Paraganglioma-Pheochromocytoma Syndromes; Hereditary pheochromocytoma-paraganglioma. Identifiers: Orphanet 29072, MedGen C4274332, MONDO:0017366.

Submissions (3):

Labcorp Genetics (formerly Invitae), Labcorp
Classification: Uncertain significance for Hereditary pheochromocytoma and paraganglioma. Last evaluated: 2024-05-08. Review status: criteria provided, single submitter. Criteria: Invitae Variant Classification Sherloc (09022015). Collection method: clinical testing. Allele origin: germline.
Comment: This sequence change replaces asparagine, which is neutral and polar, with serine, which is neutral and polar, at codon 110 of the SDHAF2 protein (p.Asn110Ser). This variant is not present in population databases (gnomAD no frequency). This variant has not been reported in the literature in individuals affected with SDHAF2-related conditions. ClinVar contains an entry for this variant (Variation ID: 2624866). An algorithm developed to predict the effect of missense changes on protein structure and function (PolyPhen-2) suggests that this variant is likely to be disruptive. In summary, the available evidence is currently insufficient to determine the role of this variant in disease. Therefore, it has been classified as a Variant of Uncertain Significance.

All of Us Research Program, National Institutes of Health
Classification: Uncertain significance for Hereditary pheochromocytoma and paraganglioma. Last evaluated: 2024-04-16. Review status: criteria provided, single submitter. Criteria: ACMG Guidelines, 2015. Collection method: clinical testing. Allele origin: germline. Inheritance: Autosomal dominant inheritance. Observed: 1 variant allele, 1 heterozygote.
Comment: This missense variant replaces asparagine with serine at codon 110 of the SDHAF2 protein. Computational prediction is inconclusive regarding the impact of this variant on protein structure and function (internally defined REVEL score threshold 0.5 < inconclusive < 0.7, PMID: 27666373). To our knowledge, functional studies have not been reported for this variant. This variant has not been reported in individuals affected with SDHAF2-related disorders in the literature. This variant has not been identified in the general population by the Genome Aggregation Database (gnomAD). The available evidence is insufficient to determine the role of this variant in disease conclusively. Therefore, this variant is classified as a Variant of Uncertain Significance.

This study involves interpretation of variants in research participants for the purpose of population health screening. Participant phenotype was not available at the time of variant classification. Additional details can be found in publication PMID: 35346344, PMCID: PMC8962531

Ambry Genetics
Classification: Uncertain significance for Hereditary cancer-predisposing syndrome. Last evaluated: 2023-08-24. Review status: criteria provided, single submitter. Criteria: Ambry Variant Classification Scheme 2023. Collection method: clinical testing. Allele origin: germline.
Comment: The p.N110S variant (also known as c.329A>G), located in coding exon 3 of the SDHAF2 gene, results from an A to G substitution at nucleotide position 329. The asparagine at codon 110 is replaced by serine, an amino acid with highly similar properties. This amino acid position is highly conserved in available vertebrate species. In addition, the in silico prediction for this alteration is inconclusive. Since supporting evidence is limited at this time, the clinical significance of this alteration remains unclear.

NM_017841.4(SDHAF2):c.329A>G (p.Asn110Ser)

Gene: SDHAF2 (succinate dehydrogenase complex assembly factor 2; plus strand). Cytogenetic location: 11q12.2.
Variant type: single nucleotide variant.
Coding change: c.329A>G on transcript NM_017841.4 (MANE Select); coding-DNA position 329, A replaced by G.
Protein change: p.Asn110Ser; replaces asparagine 110 with serine.
Molecular consequence: missense variant.
Genome position (GRCh38, 1-based): chr11:61,438,072, A>G. VCF-style: chr11-61438072-A-G. GRCh37 (hg19) VCF-style: chr11-61205544-A-G.
Other names: short protein forms N110S.
Identifiers: ClinVar variation 2624866 (VCV002624866.5), dbSNP rs2540124967, ClinGen allele CA380684163.